The following is an entry in ClinVar:

ClinVar aggregate classification (germline): Benign/Likely benign. Review status: criteria provided, multiple submitters, no conflicts (2 of 4 stars). 8 submissions from 5 submitters: Benign (5); Likely benign (3). Last evaluated 2025-12-15.

Conditions:
TTN-related disorder. Also called: TTN-related disorders; TTN-related condition; TTN-related disease.
Dilated cardiomyopathy 1G (CMD1G). Identifiers: Orphanet 154, MedGen C1858763, MONDO:0011400, OMIM 604145.
Autosomal recessive limb-girdle muscular dystrophy type 2J (LGMDR10). Also called: MUSCULAR DYSTROPHY, LIMB-GIRDLE, AUTOSOMAL RECESSIVE 10; Limb-girdle muscular dystrophy, type 2J. Identifiers: Orphanet 140922, MedGen C1837342, MONDO:0012127, OMIM 608807.
Early-onset myopathy with fatal cardiomyopathy (CMYO5). Also called: CONGENITAL MYOPATHY 5 WITH CARDIOMYOPATHY; Salih Myopathy. Identifiers: Orphanet 289377, MedGen C2673677, MONDO:0012714, OMIM 611705. Disease mechanism: loss of function.
Tibial muscular dystrophy (TMD). Also called: Udd Distal Myopathy – Tibial Muscular Dystrophy; Tibial muscular dystrophy, tardive; UDD MYOPATHY. Identifiers: Orphanet 609, MedGen C1838244, MONDO:0010870, OMIM 600334.
Myopathy, myofibrillar, 9, with early respiratory failure (MFM9). Also called: Hereditary myopathy with early respiratory failure; EDSTROM MYOPATHY; Myopathy, distal, with early respiratory failure, autosomal dominant; MYOPATHY, PROXIMAL, WITH EARLY RESPIRATORY MUSCLE INVOLVEMENT. Identifiers: Orphanet 178464, Orphanet 34521, MedGen C1863599, MONDO:0011362, OMIM 603689.

Allele frequency attached by ClinVar (database versions not stated): gnomAD 0.00002 and 0.00003; ExAC 0.00001; TOPMed 0.00003.
gnomAD v4.1: 53 of 1,613,762 alleles (0.0033%); highest among the groups gnomAD compares: Middle Eastern, 0.016%; no homozygotes.

Submissions (8):

PreventionGenetics, part of Exact Sciences
Classification: Likely benign for TTN-related condition. Last evaluated: 2025-12-15. Review status: criteria provided, single submitter. Criteria: ACMG Guidelines, 2015. Collection method: clinical testing. Allele origin: germline.
Comment: This variant is classified as likely benign based on ACMG/AMP sequence variant interpretation guidelines (Richards et al. 2015 PMID: 25741868, with internal and published modifications).

Labcorp Genetics (formerly Invitae), Labcorp
Classification: Likely benign for Dilated cardiomyopathy 1G; Autosomal recessive limb-girdle muscular dystrophy type 2J. Last evaluated: 2025-12-09. Review status: criteria provided, single submitter. Criteria: Invitae Variant Classification Sherloc (09022015). Collection method: clinical testing. Allele origin: germline.

CeGaT Center for Human Genetics Tuebingen
Classification: Likely benign. Last evaluated: 2023-02-01. Review status: criteria provided, single submitter. Criteria: CeGaT Center For Human Genetics Tuebingen Variant Classification Criteria Version 2. Collection method: clinical testing. Allele origin: germline. Affected: yes. Observed: 1 variant allele.
Comment: TTN: BP4, BP7

Genome-Nilou Lab
Classification: Benign for Autosomal recessive limb-girdle muscular dystrophy type 2J. Last evaluated: 2021-09-10. Review status: criteria provided, single submitter. Criteria: ACMG Guidelines, 2015. Collection method: clinical testing. Allele origin: germline. Affected: no.

Genome-Nilou Lab
Classification: Benign for Myopathy, myofibrillar, 9, with early respiratory failure. Last evaluated: 2021-09-10. Review status: criteria provided, single submitter. Criteria: ACMG Guidelines, 2015. Collection method: clinical testing. Allele origin: germline. Affected: no.

Genome-Nilou Lab
Classification: Benign for Early-onset myopathy with fatal cardiomyopathy. Last evaluated: 2021-09-10. Review status: criteria provided, single submitter. Criteria: ACMG Guidelines, 2015. Collection method: clinical testing. Allele origin: germline. Affected: no.

Genome-Nilou Lab
Classification: Benign for Tibial muscular dystrophy. Last evaluated: 2021-09-10. Review status: criteria provided, single submitter. Criteria: ACMG Guidelines, 2015. Collection method: clinical testing. Allele origin: germline. Affected: no.

GeneDx
Classification: Benign. Last evaluated: 2014-12-04. Review status: criteria provided, single submitter. Criteria: GeneDx Variant Classification (06012015). Collection method: clinical testing. Allele origin: germline. Affected: yes.
Comment: This variant is considered likely benign or benign based on one or more of the following criteria: it is a conservative change, it occurs at a poorly conserved position in the protein, it is predicted to be benign by multiple in silico algorithms, and/or has population frequency not consistent with disease.

NM_001267550.2(TTN):c.28677C>T (p.Asn9559=)

Gene: TTN (titin; minus strand). Cytogenetic location: 2q31.2.
Variant type: single nucleotide variant.
Coding change: c.28677C>T on transcript NM_001267550.2 (MANE Select); coding-DNA position 28677, C replaced by T.
Protein change: p.Asn9559=; no amino-acid change (asparagine 9559 retained).
Molecular consequence: synonymous variant. On other transcripts: intron variant (3).
Genome position (GRCh38, 1-based): chr2:178,709,642, G>A on the plus strand (C>T on the coding strand, the complement: TTN is on the minus strand). VCF-style: chr2-178709642-G-A. GRCh37 (hg19) VCF-style: chr2-179574369-G-A.
Other names: p.N9242N:AAC>AAT; c.27726C>T, p.Asn9242= (NM_001256850.1); c.24945C>T, p.Asn8315= (NM_133378.4); c.13282+28440C>T (NM_003319.4); c.13858+28440C>T (NM_133437.4); c.13657+28440C>T (NM_133432.3).
Identifiers: ClinVar variation 202296 (VCV000202296.35), dbSNP rs775065173, ClinGen allele CA309000.